The following is an entry in ClinVar:

ClinVar aggregate classification (germline): Uncertain significance (1 of 4 stars; one submission).

Conditions:
Familial intrahepatic cholestasis. Identifiers: Orphanet 284385, MedGen CN296401, MONDO:0017290.

Submission:

Genomenon, Inc
Classification: Uncertain significance for Familial intrahepatic cholestasis. Last evaluated: 2026-04-14. Review status: criteria provided, single submitter. Criteria: Genomenon Sequence Variant Interpretation Standards - Updated. Collection method: curation. Allele origin: germline. Affected: no.
Comment: ABCB11 p.Ala995Val (c.2984C>T) is a missense variant that changes the amino acid at residue 995 from Alanine to Valine. This variant has been reported in the published literature (PMID:37208429;31538484). It is absent or not present at a significant frequency in gnomAD. In conclusion, we classify ABCB11 p.Ala995Val (c.2984C>T) as a variant of uncertain significance.

Literature cited by the submitters: PubMed 37208429; PubMed 31538484.

NM_003742.4(ABCB11):c.2984C>T (p.Ala995Val)

Gene: ABCB11 (ATP binding cassette subfamily B member 11; minus strand). Cytogenetic location: 2q31.1.
Variant type: single nucleotide variant.
Coding change: c.2984C>T on transcript NM_003742.4 (MANE Select); coding-DNA position 2984, C replaced by T.
Protein change: p.Ala995Val; replaces alanine 995 with valine.
Molecular consequence: missense variant.
Genome position (GRCh38, 1-based): chr2:168,935,256, G>A on the plus strand (C>T on the coding strand, the complement: ABCB11 is on the minus strand). VCF-style: chr2-168935256-G-A. GRCh37 (hg19) VCF-style: chr2-169791766-G-A.
Other names: short protein forms A995V.
Identifiers: ClinVar variation 4845957 (VCV004845957.1).